The following is an entry in ClinVar:

ClinVar aggregate classification (germline): Uncertain significance (1 of 4 stars; one submission).

Conditions:
HSD3B7-related disorder. Also called: HSD3B7-related condition.

gnomAD v4.1: 41 of 1,611,278 alleles (0.0025%); highest among the groups gnomAD compares: Non-Finnish European, 0.0031%; no homozygotes.

Submission:

PreventionGenetics, part of Exact Sciences
Classification: Uncertain significance for HSD3B7-related condition. Last evaluated: 2026-08-11. Review status: criteria provided, single submitter. Criteria: ACMG Guidelines, 2015. Collection method: clinical testing. Allele origin: germline.
Comment: The HSD3B7 c.905A>G variant is predicted to result in the amino acid substitution p.Asn302Ser. To our knowledge, this variant has not been reported in the literature. This variant is reported in 0.0062% of alleles in individuals of African descent in gnomAD. At this time, the clinical significance of this variant is uncertain due to the absence of conclusive functional and genetic evidence.

NM_025193.4(HSD3B7):c.905A>G (p.Asn302Ser)

Gene: HSD3B7 (hydroxy-delta-5-steroid dehydrogenase, 3 beta- and steroid delta-isomerase 7; plus strand). Cytogenetic location: 16p11.2.
Variant type: single nucleotide variant.
Coding change: c.905A>G on transcript NM_025193.4 (MANE Select); coding-DNA position 905, A replaced by G.
Protein change: p.Asn302Ser; replaces asparagine 302 with serine.
Molecular consequence: missense variant. On other transcripts: 3 prime UTR variant (2).
Genome position (GRCh38, 1-based): chr16:30,987,978, A>G. VCF-style: chr16-30987978-A-G. GRCh37 (hg19) VCF-style: chr16-30999299-A-G.
Other names: c.*151A>G (NM_001142777.2, NM_001142778.2); short protein forms N302S.
Identifiers: ClinVar variation 4987370 (VCV004987370.1).